The following is an entry in ClinVar:

ClinVar aggregate classification (germline): Uncertain significance (1 of 4 stars; one submission).

Allele frequency attached by ClinVar (database versions not stated): TOPMed below 0.00001; gnomAD 0.00001.
gnomAD v4.1: 2 of 1,613,276 alleles (0.00012%); highest among the groups gnomAD compares: Non-Finnish European, 0.000085%; no homozygotes.

Submission:

GeneDx
Classification: Uncertain significance. Last evaluated: 2022-11-29. Review status: criteria provided, single submitter. Criteria: GeneDx Variant Classification Process June 2021. Collection method: clinical testing. Allele origin: germline. Affected: yes.
Comment: Not observed at significant frequency in large population cohorts (gnomAD); In silico analysis supports that this missense variant has a deleterious effect on protein structure/function; Has not been previously published as pathogenic or benign to our knowledge

NM_031433.4(MFRP):c.1535G>A (p.Cys512Tyr)

Genes: C1QTNF5 (C1q and TNF related 5; minus strand), MFRP (membrane frizzled-related protein; minus strand). Cytogenetic location: 11q23.3.
Variant type: single nucleotide variant.
Coding change: c.1535G>A on transcript NM_031433.4 (MANE Select); coding-DNA position 1535, G replaced by A.
Protein change: p.Cys512Tyr; replaces cysteine 512 with tyrosine.
Molecular consequence: missense variant. On other transcripts: 5 prime UTR variant (1).
Genome position (GRCh38, 1-based): chr11:119,341,753, C>T on the plus strand (G>A on the coding strand, the complement: MFRP is on the minus strand). VCF-style: chr11-119341753-C-T. GRCh37 (hg19) VCF-style: chr11-119212463-C-T.
Other names: c.-1102G>A (NM_015645.5); short protein forms C512Y.
Identifiers: ClinVar variation 2504519 (VCV002504519.1), dbSNP rs1165509211, ClinGen allele CA382971784.